The following is an entry in ClinVar:

NM_006206.6(PDGFRA):c.969G>T (p.Gln323His)

Gene: PDGFRA (platelet derived growth factor receptor alpha; plus strand). Cytogenetic location: 4q12.
Variant type: single nucleotide variant.
Coding change: c.969G>T on transcript NM_006206.6 (MANE Select); coding-DNA position 969, G replaced by T.
Protein change: p.Gln323His; replaces glutamine 323 with histidine.
Molecular consequence: missense variant.
Genome position (GRCh38, 1-based): chr4:54,267,589, G>T. VCF-style: chr4-54267589-G-T. GRCh37 (hg19) VCF-style: chr4-55133756-G-T.
Other names: c.969G>T, p.Gln323His (NM_001347827.2, NM_001347829.2); c.1044G>T, p.Gln348His (NM_001347828.2); c.1008G>T, p.Gln336His (NM_001347830.2); short protein forms Q323H, Q336H, Q348H.
Identifiers: ClinVar variation 823419 (VCV000823419.10), dbSNP rs769276081, ClinGen allele CA2922443.

ClinVar aggregate classification (germline): Uncertain significance. Review status: criteria provided, multiple submitters, no conflicts (2 of 4 stars). 2 submissions from 2 submitters: Uncertain significance (2). Last evaluated 2023-10-07.

Conditions:
Hereditary cancer-predisposing syndrome. Also called: Neoplastic Syndromes, Hereditary; Hereditary Cancer Syndrome; Hereditary neoplastic syndrome; Tumor predisposition. Identifiers: Orphanet 140162, MedGen C0027672, MeSH D009386, MONDO:0015356.
Gastrointestinal stromal tumor. Also called: Gastrointestinal stromal tumor, somatic; Gastrointestinal stroma tumor. Identifiers: Orphanet 44890, MedGen C0238198, MeSH D046152, MONDO:0011719, OMIM 606764, HP:0100723.

gnomAD v4.1: 2 of 1,614,196 alleles (0.00012%); highest among the groups gnomAD compares: Non-Finnish European, 0.00017%; no homozygotes.

Submissions (2):

Labcorp Genetics (formerly Invitae), Labcorp
Classification: Uncertain significance for Gastrointestinal stromal tumor. Last evaluated: 2023-10-07. Review status: criteria provided, single submitter. Criteria: Invitae Variant Classification Sherloc (09022015). Collection method: clinical testing. Allele origin: germline.
Comment: This sequence change replaces glutamine, which is neutral and polar, with histidine, which is basic and polar, at codon 323 of the PDGFRA protein (p.Gln323His). This variant is present in population databases (rs769276081, gnomAD 0.0009%). This variant has not been reported in the literature in individuals affected with PDGFRA-related conditions. ClinVar contains an entry for this variant (Variation ID: 823419). Advanced modeling of protein sequence and biophysical properties (such as structural, functional, and spatial information, amino acid conservation, physicochemical variation, residue mobility, and thermodynamic stability) performed at Invitae indicates that this missense variant is not expected to disrupt PDGFRA protein function. In summary, the available evidence is currently insufficient to determine the role of this variant in disease. Therefore, it has been classified as a Variant of Uncertain Significance.

Ambry Genetics
Classification: Uncertain significance for Hereditary cancer-predisposing syndrome. Last evaluated: 2019-06-28. Review status: criteria provided, single submitter. Criteria: Ambry Variant Classification Scheme 2023. Collection method: clinical testing. Allele origin: germline.
Comment: The p.Q323H variant (also known as c.969G>T), located in coding exon 6 of the PDGFRA gene, results from a G to T substitution at nucleotide position 969. The glutamine at codon 323 is replaced by histidine, an amino acid with highly similar properties. This amino acid position is poorly conserved in available vertebrate species. In addition, this alteration is predicted to be tolerated by in silico analysis. Since supporting evidence is limited at this time, the clinical significance of this alteration remains unclear.